The following is an entry in ClinVar:

NM_033026.6(PCLO):c.10241G>A (p.Ser3414Asn)

Gene: PCLO (piccolo presynaptic cytomatrix protein; minus strand). Cytogenetic location: 7q21.11.
Variant type: single nucleotide variant.
Coding change: c.10241G>A on transcript NM_033026.6 (MANE Select); coding-DNA position 10241, G replaced by A.
Protein change: p.Ser3414Asn; replaces serine 3414 with asparagine.
Molecular consequence: missense variant.
Genome position (GRCh38, 1-based): chr7:82,950,347, C>T on the plus strand (G>A on the coding strand, the complement: PCLO is on the minus strand). VCF-style: chr7-82950347-C-T. GRCh37 (hg19) VCF-style: chr7-82579663-C-T.
Other names: c.10241G>A, p.Ser3414Asn (NM_014510.3); short protein forms S3414N.
Identifiers: ClinVar variation 1970834 (VCV001970834.4), dbSNP rs373186110, ClinGen allele CA4319769.

ClinVar aggregate classification (germline): Uncertain significance (1 of 4 stars; one submission).

Allele frequency attached by ClinVar (database versions not stated): ExAC 0.00001; gnomAD 0.00001; TOPMed 0.00002; ESP Exome Variant Server 0.00008.
gnomAD v4.1: 2 of 1,613,550 alleles (0.00012%); highest among the groups gnomAD compares: African/African-American, 0.0027%; no homozygotes.

Submission:

Labcorp Genetics (formerly Invitae), Labcorp
Classification: Uncertain significance. Last evaluated: 2024-11-28. Review status: criteria provided, single submitter. Criteria: Invitae Variant Classification Sherloc (09022015). Collection method: clinical testing. Allele origin: germline.
Comment: This sequence change replaces serine, which is neutral and polar, with asparagine, which is neutral and polar, at codon 3414 of the PCLO protein (p.Ser3414Asn). This variant is present in population databases (rs373186110, gnomAD 0.01%). This variant has not been reported in the literature in individuals affected with PCLO-related conditions. ClinVar contains an entry for this variant (Variation ID: 1970834). Experimental studies and prediction algorithms are not available or were not evaluated, and the functional significance of this variant is currently unknown. In summary, the available evidence is currently insufficient to determine the role of this variant in disease. Therefore, it has been classified as a Variant of Uncertain Significance.